The following is an entry in ClinVar:

NM_005157.6(ABL1):c.1714C>T (p.Leu572Phe)

Gene: ABL1 (ABL proto-oncogene 1, non-receptor tyrosine kinase; plus strand). Cytogenetic location: 9q34.12.
Variant type: single nucleotide variant.
Coding change: c.1714C>T on transcript NM_005157.6 (MANE Select); coding-DNA position 1714, C replaced by T.
Protein change: p.Leu572Phe; replaces leucine 572 with phenylalanine.
Molecular consequence: missense variant.
Genome position (GRCh38, 1-based): chr9:130,884,004, C>T. VCF-style: chr9-130884004-C-T. GRCh37 (hg19) VCF-style: chr9-133759391-C-T.
Other names: c.1771C>T, p.Leu591Phe (NM_007313.3); short protein forms L572F, L591F.
Identifiers: ClinVar variation 4984166 (VCV004984166.1).

ClinVar aggregate classification (germline): Uncertain significance (1 of 4 stars; one submission).

Conditions:
ABL1-related disorder. Also called: ABL1-related condition.

Submission:

PreventionGenetics, part of Exact Sciences
Classification: Uncertain significance for ABL1-related condition. Last evaluated: 2025-02-28. Review status: criteria provided, single submitter. Criteria: ACMG Guidelines, 2015. Collection method: clinical testing. Allele origin: germline.
Comment: The ABL1 c.1771C>T variant is predicted to result in the amino acid substitution p.Leu591Phe. To our knowledge, this variant has not been reported in the literature or in a large population database (gnomAD), indicating this variant is rare. At this time, the clinical significance of this variant is uncertain due to the absence of conclusive functional and genetic evidence.